The following is an entry in ClinVar:

NM_001122630.2(CDKN1C):c.431C>T (p.Ala144Val)

Gene: CDKN1C (cyclin dependent kinase inhibitor 1C; minus strand). Cytogenetic location: 11p15.4.
Variant type: single nucleotide variant.
Coding change: c.431C>T on transcript NM_001122630.2 (MANE Select); coding-DNA position 431, C replaced by T.
Protein change: p.Ala144Val; replaces alanine 144 with valine.
Molecular consequence: missense variant. On other transcripts: intron variant (1).
Genome position (GRCh38, 1-based): chr11:2,885,026, G>A on the plus strand (C>T on the coding strand, the complement: CDKN1C is on the minus strand). VCF-style: chr11-2885026-G-A. GRCh37 (hg19) VCF-style: chr11-2906256-G-A.
Other names: c.464C>T, p.Ala155Val (NM_000076.2, NM_001362474.2); c.431C>T, p.Ala144Val (NM_001122631.2); c.255+176C>T (NM_001362475.2); short protein forms A144V, A155V.
Identifiers: ClinVar variation 997459 (VCV000997459.11), dbSNP rs1848952463, ClinGen allele CA379146646.
Genomic context (GRCh38, chr11:2,885,026, plus strand): 5'-ACCGCGACCGGAGCCGCGACCGGAGCCGCGACCGGAGCCGGAGCCGGGGCCGGGGCTGGA[G>A]CCAGGACCGGGACTGGGGGCGGGGTGGACGCCGGGGCCGGGACCGGGACACTAGGCAGCT-3'
Protein context (NP_001116102.1, residues 134-154): ASTPPPVPVL[Ala144Val]PAPAPAPAPV

ClinVar aggregate classification (germline): Uncertain significance. Review status: criteria provided, multiple submitters, no conflicts (2 of 4 stars). 3 submissions from 3 submitters: Uncertain significance (3). Last evaluated 2024-05-29.

Conditions:
Beckwith-Wiedemann syndrome (BWS). Also called: EMG SYNDROME; Exomphalos macroglossia gigantism syndrome. Identifiers: Orphanet 116, MedGen C0004903, MONDO:0007534, OMIM 130650.
IMAGe syndrome. Also called: Intrauterine growth retardation, metaphyseal dysplasia, adrenal hypoplasia congenita, and genital anomalies; Intrauterine Growth Restriction, Metaphyseal Dysplasia, Adrenal Hypoplasia Congenita, and Genital Anomalies. Identifiers: Orphanet 85173, MedGen C1846009, MONDO:0013873, OMIM 614732.

Submissions (3):

Labcorp Genetics (formerly Invitae), Labcorp
Classification: Uncertain significance for Beckwith-Wiedemann syndrome. Last evaluated: 2024-05-29. Review status: criteria provided, single submitter. Criteria: Invitae Variant Classification Sherloc (09022015). Collection method: clinical testing. Allele origin: germline.
Comment: This sequence change replaces alanine, which is neutral and non-polar, with valine, which is neutral and non-polar, at codon 155 of the CDKN1C protein (p.Ala155Val). This variant is not present in population databases (gnomAD no frequency). This variant has not been reported in the literature in individuals affected with CDKN1C-related conditions. ClinVar contains an entry for this variant (Variation ID: 997459). Experimental studies and prediction algorithms are not available or were not evaluated, and the functional significance of this variant is currently unknown. In summary, the available evidence is currently insufficient to determine the role of this variant in disease. Therefore, it has been classified as a Variant of Uncertain Significance.

Fulgent Genetics
Classification: Uncertain significance for Beckwith-Wiedemann syndrome; IMAGe syndrome. Last evaluated: 2024-05-10. Review status: criteria provided, single submitter. Criteria: ACMG Guidelines, 2015. Collection method: clinical testing. Allele origin: germline.

Baylor Genetics
Classification: Uncertain significance for Beckwith-Wiedemann syndrome. Last evaluated: 2020-09-24. Review status: criteria provided, single submitter. Criteria: ACMG Guidelines, 2015. Collection method: clinical testing. Allele origin: maternal. Affected: yes. Study: CSER-TexasKidsCanSeq.
Comment: This variant was determined to be of uncertain significance according to ACMG Guidelines, 2015 [PMID:25741868].